The following is an entry in ClinVar:

ClinVar aggregate classification (germline): Uncertain significance (1 of 4 stars; one submission).

Allele frequency attached by ClinVar (database versions not stated): gnomAD exomes 0.00001 and 0.00002; gnomAD 0.00001; TOPMed 0.00005.
gnomAD v4.1: 6 of 1,613,870 alleles (0.00037%); highest among the groups gnomAD compares: Admixed American, 0.01%; no homozygotes.

Submission:

Labcorp Genetics (formerly Invitae), Labcorp
Classification: Uncertain significance. Last evaluated: 2021-11-01. Review status: criteria provided, single submitter. Criteria: Invitae Variant Classification Sherloc (09022015). Collection method: clinical testing. Allele origin: germline.
Comment: In summary, the available evidence is currently insufficient to determine the role of this variant in disease. Therefore, it has been classified as a Variant of Uncertain Significance. Algorithms developed to predict the effect of missense changes on protein structure and function are either unavailable or do not agree on the potential impact of this missense change (SIFT: "Tolerated"; PolyPhen-2: "Probably Damaging"; Align-GVGD: "Class C0"). This variant has not been reported in the literature in individuals affected with ATP6V0A4-related conditions. This variant is present in population databases (no rsID available, gnomAD 0.01%). This sequence change replaces glutamic acid, which is acidic and polar, with glutamine, which is neutral and polar, at codon 579 of the ATP6V0A4 protein (p.Glu579Gln).

NM_020632.3(ATP6V0A4):c.1735G>C (p.Glu579Gln)

Gene: ATP6V0A4 (ATPase H+ transporting V0 subunit a4; minus strand). Cytogenetic location: 7q34.
Variant type: single nucleotide variant.
Coding change: c.1735G>C on transcript NM_020632.3 (MANE Select); coding-DNA position 1735, G replaced by C.
Protein change: p.Glu579Gln; replaces glutamic acid 579 with glutamine.
Molecular consequence: missense variant.
Genome position (GRCh38, 1-based): chr7:138,733,050, C>G on the plus strand (G>C on the coding strand, the complement: ATP6V0A4 is on the minus strand). VCF-style: chr7-138733050-C-G. GRCh37 (hg19) VCF-style: chr7-138417795-C-G.
Other names: c.1735G>C, p.Glu579Gln (NM_130840.3, NM_130841.3); short protein forms E579Q.
Identifiers: ClinVar variation 1354982 (VCV001354982.6), dbSNP rs1469803021, ClinGen allele CA369379415.